The following is an entry in ClinVar:

NM_000632.4(ITGAM):c.3278C>T (p.Thr1093Met)

Gene: ITGAM (integrin subunit alpha M; plus strand). Cytogenetic location: 16p11.2.
Variant type: single nucleotide variant.
Coding change: c.3278C>T on transcript NM_000632.4 (MANE Select); coding-DNA position 3278, C replaced by T.
Protein change: p.Thr1093Met; replaces threonine 1093 with methionine.
Molecular consequence: missense variant.
Genome position (GRCh38, 1-based): chr16:31,331,166, C>T. VCF-style: chr16-31331166-C-T. GRCh37 (hg19) VCF-style: chr16-31342487-C-T.
Other names: c.3281C>T, p.Thr1094Met (NM_001145808.2); short protein forms T1093M, T1094M.
Identifiers: ClinVar variation 3716799 (VCV003716799.2).

ClinVar aggregate classification (germline): Uncertain significance (1 of 4 stars; one submission).

gnomAD v4.1: 3 of 1,592,226 alleles (0.00019%); highest among the groups gnomAD compares: South Asian, 0.0011%; no homozygotes.

Submission:

Labcorp Genetics (formerly Invitae), Labcorp
Classification: Uncertain significance. Last evaluated: 2024-06-30. Review status: criteria provided, single submitter. Criteria: Invitae Variant Classification Sherloc (09022015). Collection method: clinical testing. Allele origin: germline.
Comment: This sequence change replaces threonine, which is neutral and polar, with methionine, which is neutral and non-polar, at codon 1093 of the ITGAM protein (p.Thr1093Met). This variant is not present in population databases (gnomAD no frequency). This variant has not been reported in the literature in individuals affected with ITGAM-related conditions. An algorithm developed to predict the effect of missense changes on protein structure and function (PolyPhen-2) suggests that this variant is likely to be disruptive. In summary, the available evidence is currently insufficient to determine the role of this variant in disease. Therefore, it has been classified as a Variant of Uncertain Significance.